The following is an entry in ClinVar:

NM_000051.4(ATM):c.5917A>T (p.Arg1973Ter)

Genes: ATM (ATM serine/threonine kinase; plus strand), C11orf65 (chromosome 11 open reading frame 65; minus strand). Cytogenetic location: 11q22.3.
Variant type: single nucleotide variant.
Coding change: c.5917A>T on transcript NM_000051.4 (MANE Select); coding-DNA position 5917, A replaced by T.
Protein change: p.Arg1973Ter; replaces arginine 1973 with a stop codon.
Molecular consequence: nonsense. On other transcripts: intron variant (2).
Genome position (GRCh38, 1-based): chr11:108,310,314, A>T. VCF-style: chr11-108310314-A-T. GRCh37 (hg19) VCF-style: chr11-108181041-A-T.
Other names: c.5917A>T, p.Arg1973Ter (NM_001351834.2); c.641-1243T>A (NM_001330368.2); c.*39-1243T>A (NM_001351110.2); short protein forms R1973*.
Identifiers: ClinVar variation 4825517 (VCV004825517.1).

ClinVar aggregate classification (germline): Pathogenic (1 of 4 stars; one submission).

Conditions:
Hereditary cancer-predisposing syndrome. Also called: Tumor predisposition; Hereditary neoplastic syndrome; Hereditary Cancer Syndrome; Neoplastic Syndromes, Hereditary. Identifiers: Orphanet 140162, MedGen C0027672, MeSH D009386, MONDO:0015356.

Submission:

Ambry Genetics
Classification: Pathogenic for Hereditary cancer-predisposing syndrome. Last evaluated: 2026-02-20. Review status: criteria provided, single submitter. Criteria: Ambry Variant Classification Scheme 2023. Collection method: clinical testing. Allele origin: germline.
Comment: The p.R1973* pathogenic mutation (also known as c.5917A>T), located in coding exon 38 of the ATM gene, results from an A to T substitution at nucleotide position 5917. This changes the amino acid from an arginine to a stop codon within coding exon 38. This variant is considered to be rare based on population cohorts in the Genome Aggregation Database (gnomAD). This alteration is expected to result in loss of function by premature protein truncation or nonsense-mediated mRNA decay. As such, this alteration is interpreted as a disease-causing mutation.